The following is an entry in ClinVar:

ClinVar aggregate classification (germline): Uncertain significance (1 of 4 stars; one submission).

Submission:

Labcorp Genetics (formerly Invitae), Labcorp
Classification: Uncertain significance. Last evaluated: 2022-07-11. Review status: criteria provided, single submitter. Criteria: Invitae Variant Classification Sherloc (09022015). Collection method: clinical testing. Allele origin: germline.
Comment: In summary, the available evidence is currently insufficient to determine the role of this variant in disease. Therefore, it has been classified as a Variant of Uncertain Significance. Experimental studies and prediction algorithms are not available or were not evaluated, and the functional significance of this variant is currently unknown. This variant has not been reported in the literature in individuals affected with PSMG2-related conditions. This variant is a gross deletion of the genomic region encompassing exon(s) 2 of the PSMG2 gene. This deletion is out-of-frame, and is expected to create a premature translational stop signal and result in an absent or disrupted protein product. However, the current clinical and genetic evidence is not sufficient to establish whether loss-of-function variants in PSMG2 cause disease.

NC_000018.9:g.(?_12706529)_(12706740_?)del

Gene: PSMG2 (proteasome assembly chaperone 2; plus strand). Cytogenetic location: 18p11.21.
Variant type: Deletion.
Identifiers: ClinVar variation 1450380 (VCV001450380.5).